The following is an entry in ClinVar:

ClinVar aggregate classification (germline): Uncertain significance (1 of 4 stars; one submission).

Submission:

Labcorp Genetics (formerly Invitae), Labcorp
Classification: Uncertain significance. Last evaluated: 2022-07-19. Review status: criteria provided, single submitter. Criteria: Invitae Variant Classification Sherloc (09022015). Collection method: clinical testing. Allele origin: germline.
Comment: In summary, the available evidence is currently insufficient to determine the role of this variant in disease. Therefore, it has been classified as a Variant of Uncertain Significance. Algorithms developed to predict the effect of missense changes on protein structure and function are either unavailable or do not agree on the potential impact of this missense change (SIFT: "Deleterious"; PolyPhen-2: "Probably Damaging"; Align-GVGD: "Class C15"). ClinVar contains an entry for this variant (Variation ID: 1475332). This variant has not been reported in the literature in individuals affected with HMCN1-related conditions. This variant is not present in population databases (gnomAD no frequency). This sequence change replaces glycine, which is neutral and non-polar, with arginine, which is basic and polar, at codon 1427 of the HMCN1 protein (p.Gly1427Arg).

NM_031935.3(HMCN1):c.4279G>A (p.Gly1427Arg)

Gene: HMCN1 (hemicentin 1; plus strand). Cytogenetic location: 1q31.1.
Variant type: single nucleotide variant.
Coding change: c.4279G>A on transcript NM_031935.3 (MANE Select); coding-DNA position 4279, G replaced by A.
Protein change: p.Gly1427Arg; replaces glycine 1427 with arginine.
Molecular consequence: missense variant.
Genome position (GRCh38, 1-based): chr1:186,001,672, G>A. VCF-style: chr1-186001672-G-A. GRCh37 (hg19) VCF-style: chr1-185970804-G-A.
Other names: short protein forms G1427R.
Identifiers: ClinVar variation 1475332 (VCV001475332.6), dbSNP rs2102068632, ClinGen allele CA343877566.